The following is an entry in ClinVar:

NM_000245.4(MET):c.845G>C (p.Cys282Ser)

Gene: MET (MET proto-oncogene, receptor tyrosine kinase; plus strand). Cytogenetic location: 7q31.2.
Variant type: single nucleotide variant.
Coding change: c.845G>C on transcript NM_000245.4 (MANE Select); coding-DNA position 845, G replaced by C.
Protein change: p.Cys282Ser; replaces cysteine 282 with serine.
Molecular consequence: missense variant. On other transcripts: intron variant (1).
Genome position (GRCh38, 1-based): chr7:116,699,929, G>C. VCF-style: chr7-116699929-G-C. GRCh37 (hg19) VCF-style: chr7-116339983-G-C.
Other names: c.845G>C, p.Cys282Ser (NM_001127500.3, NM_001324401.3); c.-91+27352G>C (NM_001324402.2); short protein forms C282S.
Identifiers: ClinVar variation 246648 (VCV000246648.12), dbSNP rs879254343, ClinGen allele CA10584674.

ClinVar aggregate classification (germline): Uncertain significance. Review status: criteria provided, multiple submitters, no conflicts (2 of 4 stars). 2 submissions from 2 submitters: Uncertain significance (2). Last evaluated 2024-08-08.

Conditions:
Hereditary cancer-predisposing syndrome. Also called: Hereditary neoplastic syndrome; Neoplastic Syndromes, Hereditary; Tumor predisposition; Hereditary Cancer Syndrome. Identifiers: Orphanet 140162, MedGen C0027672, MeSH D009386, MONDO:0015356.
Renal cell carcinoma. Identifiers: Orphanet 217071, MedGen C0007134, MeSH D002292, MONDO:0005086, HP:0005584.

Allele frequency attached by ClinVar (database versions not stated): gnomAD exomes below 0.00001.
gnomAD v4.1: 1 of 1,614,064 alleles (0.000062%); highest among the groups gnomAD compares: Non-Finnish European, 0.000085%; no homozygotes.

Submissions (2):

Labcorp Genetics (formerly Invitae), Labcorp
Classification: Uncertain significance for Renal cell carcinoma. Last evaluated: 2024-08-08. Review status: criteria provided, single submitter. Criteria: Invitae Variant Classification Sherloc (09022015). Collection method: clinical testing. Allele origin: germline.
Comment: This sequence change replaces cysteine, which is neutral and slightly polar, with serine, which is neutral and polar, at codon 282 of the MET protein (p.Cys282Ser). This variant is not present in population databases (gnomAD no frequency). This variant has not been reported in the literature in individuals affected with MET-related conditions. ClinVar contains an entry for this variant (Variation ID: 246648). Advanced modeling of protein sequence and biophysical properties (such as structural, functional, and spatial information, amino acid conservation, physicochemical variation, residue mobility, and thermodynamic stability) performed at Invitae indicates that this missense variant is not expected to disrupt MET protein function with a negative predictive value of 80%. In summary, the available evidence is currently insufficient to determine the role of this variant in disease. Therefore, it has been classified as a Variant of Uncertain Significance.

Ambry Genetics
Classification: Uncertain significance for Hereditary cancer-predisposing syndrome. Last evaluated: 2022-04-28. Review status: criteria provided, single submitter. Criteria: Ambry Variant Classification Scheme 2023. Collection method: clinical testing. Allele origin: germline.
Comment: The p.C282S variant (also known as c.845G>C), located in coding exon 1 of the MET gene, results from a G to C substitution at nucleotide position 845. The cysteine at codon 282 is replaced by serine, an amino acid with dissimilar properties. This amino acid position is highly conserved in available vertebrate species. In addition, the in silico prediction for this alteration is inconclusive. Since supporting evidence is limited at this time, the clinical significance of this alteration remains unclear.